The following is an entry in ClinVar:

NM_000064.4(C3):c.4178G>C (p.Arg1393Pro)

Gene: C3 (complement C3; minus strand). Cytogenetic location: 19p13.3.
Variant type: single nucleotide variant.
Coding change: c.4178G>C on transcript NM_000064.4 (MANE Select); coding-DNA position 4178, G replaced by C.
Protein change: p.Arg1393Pro; replaces arginine 1393 with proline.
Molecular consequence: missense variant.
Genome position (GRCh38, 1-based): chr19:6,682,224, C>G on the plus strand (G>C on the coding strand, the complement: C3 is on the minus strand). VCF-style: chr19-6682224-C-G. GRCh37 (hg19) VCF-style: chr19-6682235-C-G.
Other names: short protein forms R1393P.
Identifiers: ClinVar variation 2831060 (VCV002831060.3), dbSNP rs575119407, ClinGen allele CA403615578.

ClinVar aggregate classification (germline): Uncertain significance (1 of 4 stars; one submission).

gnomAD v4.1: 1 of 1,612,166 alleles (0.000062%); highest among the groups gnomAD compares: South Asian, 0.0011%; no homozygotes.

Submission:

Labcorp Genetics (formerly Invitae), Labcorp
Classification: Uncertain significance. Last evaluated: 2023-01-22. Review status: criteria provided, single submitter. Criteria: Invitae Variant Classification Sherloc (09022015). Collection method: clinical testing. Allele origin: germline.
Comment: In summary, the available evidence is currently insufficient to determine the role of this variant in disease. Therefore, it has been classified as a Variant of Uncertain Significance. Advanced modeling of protein sequence and biophysical properties (such as structural, functional, and spatial information, amino acid conservation, physicochemical variation, residue mobility, and thermodynamic stability) performed at Invitae indicates that this missense variant is not expected to disrupt C3 protein function. This variant has not been reported in the literature in individuals affected with C3-related conditions. This variant is not present in population databases (gnomAD no frequency). This sequence change replaces arginine, which is basic and polar, with proline, which is neutral and non-polar, at codon 1393 of the C3 protein (p.Arg1393Pro).